The following is an entry in ClinVar:

NM_004438.5(EPHA4):c.2533C>G (p.Pro845Ala)

Gene: EPHA4 (EPH receptor A4; minus strand). Cytogenetic location: 2q36.1.
Variant type: single nucleotide variant.
Coding change: c.2533C>G on transcript NM_004438.5 (MANE Select); coding-DNA position 2533, C replaced by G.
Protein change: p.Pro845Ala; replaces proline 845 with alanine.
Molecular consequence: missense variant.
Genome position (GRCh38, 1-based): chr2:221,430,115, G>C on the plus strand (C>G on the coding strand, the complement: EPHA4 is on the minus strand). VCF-style: chr2-221430115-G-C. GRCh37 (hg19) VCF-style: chr2-222294835-G-C.
Other names: c.2533C>G, p.Pro845Ala (NM_001304536.2, NM_001363748.2); c.2380C>G, p.Pro794Ala (NM_001304537.2); short protein forms P794A, P845A.
Identifiers: ClinVar variation 1489578 (VCV001489578.6), dbSNP rs752075336, ClinGen allele CA350406910.

ClinVar aggregate classification (germline): Uncertain significance (1 of 4 stars; one submission).

Allele frequency attached by ClinVar (database versions not stated): gnomAD 0.00001.
gnomAD v4.1: 11 of 1,611,270 alleles (0.00068%); highest among the groups gnomAD compares: South Asian, 0.0022%; no homozygotes.

Submission:

Labcorp Genetics (formerly Invitae), Labcorp
Classification: Uncertain significance. Last evaluated: 2022-09-01. Review status: criteria provided, single submitter. Criteria: Invitae Variant Classification Sherloc (09022015). Collection method: clinical testing. Allele origin: germline.
Comment: This variant has not been reported in the literature in individuals affected with EPHA4-related conditions. This sequence change replaces proline, which is neutral and non-polar, with alanine, which is neutral and non-polar, at codon 845 of the EPHA4 protein (p.Pro845Ala). In summary, the available evidence is currently insufficient to determine the role of this variant in disease. Therefore, it has been classified as a Variant of Uncertain Significance. Algorithms developed to predict the effect of missense changes on protein structure and function (SIFT, PolyPhen-2, Align-GVGD) all suggest that this variant is likely to be disruptive. ClinVar contains an entry for this variant (Variation ID: 1489578). This variant is present in population databases (no rsID available, gnomAD 0.003%).